The following is an entry in ClinVar:

NM_001754.5(RUNX1):c.468A>G (p.Ala156=)

Genes: RUNX1 (RUNX family transcription factor 1; minus strand), RUNX1-AS1 (RUNX1 antisense RNA 1; plus strand). Cytogenetic location: 21q22.12.
Variant type: single nucleotide variant.
Coding change: c.468A>G on transcript NM_001754.5 (MANE Select); coding-DNA position 468, A replaced by G.
Protein change: p.Ala156=; no amino-acid change (alanine 156 retained).
Molecular consequence: synonymous variant.
Genome position (GRCh38, 1-based): chr21:34,880,597, T>C on the plus strand (A>G on the coding strand, the complement: RUNX1 is on the minus strand). VCF-style: chr21-34880597-T-C. GRCh37 (hg19) VCF-style: chr21-36252894-T-C.
Other names: NM_001754.5(RUNX1):c.468A>G; p.Ala156=; c.387A>G, p.Ala129= (NM_001001890.3, NM_001122607.2); c.468A>G (NM_001754.4).
Identifiers: ClinVar variation 1586701 (VCV001586701.10), dbSNP rs1163843026, ClinGen allele CA512318693.
Genomic context (GRCh38, chr21:34,880,597, plus strand): 5'-AGTTTTGACAGATAACGTACCTCTTCCACTTCGACCGACAAACCTGAGGTCATTAAATCT[T>C]GCAACCTGGTTCTTCATGGCTGCGGTAGCATTTCTCAGCTCAGCCGAGTAGTTTTCATCA-3'
Protein context (NP_001745.2, residues 146-166): NATAAMKNQV[Ala156=]RFNDLRFVGR

ClinVar aggregate classification (germline): Likely benign. Review status: reviewed by expert panel (3 of 4 stars). 3 submissions from 3 submitters: Likely benign (1). 2 of the submissions do not count toward it. Last evaluated 2024-09-18.

Conditions:
Hereditary thrombocytopenia and hematological cancer predisposition syndrome associated with RUNX1. Also called: RUNX1 Familial Platelet Disorder with Associated Myeloid Malignancies; Familial Platelet Disorder with Propensity to Acute Myelogenous Leukemia; Familial thrombocytopenia with propensity to acute myelogenous leukemia; PLATELET DISORDER, ASPIRIN-LIKE. Identifiers: Orphanet 71290, MedGen C1832388, MeSH C563324, MONDO:0100083, OMIM 601399.
Hereditary thrombocytopenia and hematologic cancer predisposition syndrome. Identifiers: Orphanet 71290, MedGen CN281654, MONDO:0011071.
Inborn genetic diseases. Identifiers: MedGen C0950123, MeSH D030342.

Allele frequency attached by ClinVar (database versions not stated): gnomAD exomes 0.00001; gnomAD 0.00003; TOPMed 0.00005.

Submissions (3):

ClinGen Myeloid Malignancy Variant Curation Expert Panel
Classification: Likely benign for Hereditary thrombocytopenia and hematologic cancer predisposition syndrome. Last evaluated: 2024-09-18. Review status: reviewed by expert panel. Criteria: ClinGen MyeloMalig ACMG Specifications v2. Collection method: curation. Allele origin: germline. Inheritance: Autosomal dominant inheritance.
Comment: Evidence Summary: NM_001754.5(RUNX1):c.509-18T>C is a synonymous variant which has a SpliceAI score ≤ 0.20 (0.0) (BP4). This variant has a SpliceAI score ≤ 0.20 (0.0) and evolutionary conservation algorithms predict the site as being not conserved (PhyloP score ≤ 2.0 (-2.6)) (BP7). This variant is completely absent from all population databases with at least 20x coverage for RUNX1 (PM2_Supporting). In summary, this variant meets criteria to be classified as likely benign. ACMG/AMP criteria applied, as specified by the Myeloid Malignancy Variant Curation Expert Panel for RUNX1: BP4, BP7, PM2_supporting.

Labcorp Genetics (formerly Invitae), Labcorp
Classification: Likely benign for Hereditary thrombocytopenia and hematological cancer predisposition syndrome associated with RUNX1. Last evaluated: 2025-12-08. Review status: criteria provided, single submitter. Criteria: Invitae Variant Classification Sherloc (09022015). Collection method: clinical testing. Allele origin: germline. Not counted in ClinVar's aggregate classification.

Ambry Genetics
Classification: Likely benign for Inborn genetic diseases. Last evaluated: 2024-10-02. Review status: criteria provided, single submitter. Criteria: Ambry Variant Classification Scheme 2023. Collection method: clinical testing. Allele origin: germline. Not counted in ClinVar's aggregate classification.